The following is an entry in ClinVar:

NM_020975.6(RET):c.1745C>T (p.Pro582Leu)

Gene: RET (ret proto-oncogene; plus strand). Cytogenetic location: 10q11.21.
Variant type: single nucleotide variant.
Coding change: c.1745C>T on transcript NM_020975.6 (MANE Select); coding-DNA position 1745, C replaced by T.
Protein change: p.Pro582Leu; replaces proline 582 with leucine.
Molecular consequence: missense variant.
Genome position (GRCh38, 1-based): chr10:43,112,949, C>T. VCF-style: chr10-43112949-C-T. GRCh37 (hg19) VCF-style: chr10-43608397-C-T.
Other names: c.983C>T, p.Pro328Leu (NM_001355216.2); c.1745C>T, p.Pro582Leu (NM_001406743.1, NM_001406744.1, NM_001406759.1 and 4 more transcripts); c.1616C>T, p.Pro539Leu (NM_001406761.1, NM_001406762.1, NM_001406764.1 and 1 more transcripts); c.1457C>T, p.Pro486Leu (NM_001406766.1, NM_001406767.1, NM_001406770.1); c.1019C>T, p.Pro340Leu (NM_001406777.1, NM_001406778.1, NM_001406775.1 and 1 more transcripts); c.848C>T, p.Pro283Leu (NM_001406779.1, NM_001406780.1, NM_001406781.1 and 3 more transcripts); c.719C>T, p.Pro240Leu (NM_001406783.1, NM_001406786.1); c.755C>T, p.Pro252Leu (NM_001406784.1); and 5 more; short protein forms P240L, P252L, P328L, P436L, P582L, P450L, P99L, P283L.
Identifiers: ClinVar variation 5028211 (VCV005028211.1).

ClinVar aggregate classification (germline): Uncertain significance (1 of 4 stars; one submission).

Conditions:
Hereditary cancer-predisposing syndrome. Also called: Neoplastic Syndromes, Hereditary; Tumor predisposition; Hereditary neoplastic syndrome; Hereditary Cancer Syndrome. Identifiers: Orphanet 140162, MedGen C0027672, MeSH D009386, MONDO:0015356.

Submission:

Ambry Genetics
Classification: Uncertain significance for Hereditary cancer-predisposing syndrome. Last evaluated: 2026-08-22. Review status: criteria provided, single submitter. Criteria: Ambry Variant Classification Scheme 2023. Collection method: clinical testing. Allele origin: germline.
Comment: The p.P582L variant (also known as c.1745C>T), located in coding exon 9 of the RET gene, results from a C to T substitution at nucleotide position 1745. The proline at codon 582 is replaced by leucine, an amino acid with similar properties. This amino acid position is conserved. In addition, this alteration is predicted to be deleterious by in silico analysis. Based on the available evidence, the clinical significance of this variant remains unclear.